The following is an entry in ClinVar:

ClinVar aggregate classification (germline): Pathogenic (1 of 4 stars; one submission).

Conditions:
COL2A1-related disorder. Also called: COL2A1-related condition; COL2A1-related disorders.

Submission:

3billion
Classification: Pathogenic for COL2A1-related disorder. Last evaluated: 2024-08-02. Review status: criteria provided, single submitter. Criteria: ACMG Guidelines, 2015. Collection method: clinical testing. Allele origin: germline. Affected: yes.
Comment: The variant is not observed in the gnomAD v4.0.0 dataset. Predicted Consequence/Location: The variant is located in a mutational hot spot and/or well-established functional domain in which established pathogenic variants have been reported (PMID: 26626311). In silico tool predictions suggest damaging effect of the variant on gene or gene product [REVEL: 0.97 (>=0.6, sensitivity 0.68 and specificity 0.92); 3Cnet: 0.99 (>=0.6, sensitivity 0.72 and precision 0.9)]. The same nucleotide change resulting in the same amino acid change has been previously reported as pathogenic/likely pathogenic with strong evidence (PMID: 33258288, 35052477). The variant has been previously reported as assumed (i.e. paternity and maternity not confirmed) de novo in at least one similarly affected unrelated individual (PMID: 33258288). Different missense changes at the same codon (p.Gly399Arg, p.Gly399Val) have been reported as pathogenic/likely pathogenic with strong evidence (ClinVar ID: VCV001326895 /PMID: 26626311, 35052477). Therefore, this variant is classified as Pathogenic according to the recommendation of ACMG/AMP guideline.

Literature cited by the submitters: PubMed 33258288; PubMed 26626311.

NM_001844.5(COL2A1):c.1195G>T (p.Gly399Trp)

Gene: COL2A1 (collagen type II alpha 1 chain; minus strand). Cytogenetic location: 12q13.11.
Variant type: single nucleotide variant.
Coding change: c.1195G>T on transcript NM_001844.5 (MANE Select); coding-DNA position 1195, G replaced by T.
Protein change: p.Gly399Trp; replaces glycine 399 with tryptophan.
Molecular consequence: missense variant.
Genome position (GRCh38, 1-based): chr12:47,987,637, C>A on the plus strand (G>T on the coding strand, the complement: COL2A1 is on the minus strand). VCF-style: chr12-47987637-C-A. GRCh37 (hg19) VCF-style: chr12-48381420-C-A.
Other names: c.988G>T, p.Gly330Trp (NM_033150.3); short protein forms G330W, G399W.
Identifiers: ClinVar variation 4293047 (VCV004293047.1).